The following is an entry in ClinVar:

NM_001211.6(BUB1B):c.581G>A (p.Arg194Gln)

Gene: BUB1B (BUB1 mitotic checkpoint serine/threonine kinase B; plus strand). Cytogenetic location: 15q15.1.
Variant type: single nucleotide variant.
Coding change: c.581G>A on transcript NM_001211.6 (MANE Select); coding-DNA position 581, G replaced by A.
Protein change: p.Arg194Gln; replaces arginine 194 with glutamine.
Molecular consequence: missense variant.
Genome position (GRCh38, 1-based): chr15:40,176,673, G>A. VCF-style: chr15-40176673-G-A. GRCh37 (hg19) VCF-style: chr15-40468874-G-A.
Other names: short protein forms R194Q.
Identifiers: ClinVar variation 465380 (VCV000465380.14), dbSNP rs567916146, ClinGen allele CA7475507.
Genomic context (GRCh38, chr15:40,176,673, plus strand): 5'-TATTTCAGGAAGGGATTCAACAGAAGGCTGAACCACTAGAAAGACTACAGTCCCAGCACC[G>A]GTAAACTTTCTTTGGAGCTTGTCTTAACTCTAAAAATAATAGAAATAAATTATCTCTTTT-3'
Protein context (NP_001202.5, residues 184-204): EPLERLQSQH[Arg194Gln]QFQARVSRQT

ClinVar aggregate classification (germline): Uncertain significance. Review status: criteria provided, multiple submitters, no conflicts (2 of 4 stars). 2 submissions from 2 submitters: Uncertain significance (2). Last evaluated 2024-11-24.

Conditions:
Mosaic variegated aneuploidy syndrome 1 (MVA1). Also called: Warburton-Anyane-Yeboa syndrome. Identifiers: Orphanet 1052, MedGen C1850343, MONDO:0009759, OMIM 257300.

Allele frequency attached by ClinVar (database versions not stated): ExAC 0.00001; gnomAD exomes 0.00001 and 0.00002; gnomAD 0.00002; TOPMed 0.00002.
gnomAD v4.1: 26 of 1,613,584 alleles (0.0016%); highest among the groups gnomAD compares: South Asian, 0.0022%; no homozygotes.

Submissions (2):

Labcorp Genetics (formerly Invitae), Labcorp
Classification: Uncertain significance for Mosaic variegated aneuploidy syndrome 1. Last evaluated: 2024-11-24. Review status: criteria provided, single submitter. Criteria: Invitae Variant Classification Sherloc (09022015). Collection method: clinical testing. Allele origin: germline.
Comment: This sequence change replaces arginine, which is basic and polar, with glutamine, which is neutral and polar, at codon 194 of the BUB1B protein (p.Arg194Gln). This variant also falls at the last nucleotide of exon 5, which is part of the consensus splice site for this exon. This variant is present in population databases (rs567916146, gnomAD 0.002%). This variant has not been reported in the literature in individuals affected with BUB1B-related conditions. ClinVar contains an entry for this variant (Variation ID: 465380). An algorithm developed to predict the effect of missense changes on protein structure and function (PolyPhen-2) suggests that this variant is likely to be disruptive. Variants that disrupt the consensus splice site are a relatively common cause of aberrant splicing (PMID: 17576681, 9536098). Algorithms developed to predict the effect of sequence changes on RNA splicing suggest that this variant may disrupt the consensus splice site. In summary, the available evidence is currently insufficient to determine the role of this variant in disease. Therefore, it has been classified as a Variant of Uncertain Significance.

Institute for Clinical Genetics, University Hospital TU Dresden, University Hospital TU Dresden
Classification: Uncertain significance. Last evaluated: 2021-11-03. Review status: criteria provided, single submitter. Criteria: ACMG Guidelines, 2015. Collection method: clinical testing. Allele origin: germline.

Literature cited by the submitters: PubMed 17576681 (cited by Labcorp Genetics (formerly Invitae), Labcorp); PubMed 9536098 (cited by Labcorp Genetics (formerly Invitae), Labcorp).